The following is an entry in ClinVar:

NM_006121.4(KRT1):c.1847G>A (p.Arg616Gln)

Gene: KRT1 (keratin 1; minus strand). Cytogenetic location: 12q13.13.
Variant type: single nucleotide variant.
Coding change: c.1847G>A on transcript NM_006121.4 (MANE Select); coding-DNA position 1847, G replaced by A.
Protein change: p.Arg616Gln; replaces arginine 616 with glutamine.
Molecular consequence: missense variant.
Genome position (GRCh38, 1-based): chr12:52,675,281, C>T on the plus strand (G>A on the coding strand, the complement: KRT1 is on the minus strand). VCF-style: chr12-52675281-C-T. GRCh37 (hg19) VCF-style: chr12-53069065-C-T.
Other names: short protein forms R616Q.
Identifiers: ClinVar variation 2433261 (VCV002433261.4), dbSNP rs565272443, ClinGen allele CA6586016.
Genomic context (GRCh38, chr12:52,675,281, plus strand): 5'-GAAACAAACTTCACGCTGGAACTGCCACCAGAGGACTTGACACCCCCAGAGCTGGATCCC[C>T]GGCCTCCTATGGAGCCTCCAGAGCTCCCGCCGCCAGAGCCCCGGCCGCCAGAGCTGCCGC-3'
Protein context (NP_006112.3, residues 606-626): GGSSGGSIGG[Arg616Gln]GSSSGGVKSS

ClinVar aggregate classification (germline): Uncertain significance. Review status: criteria provided, multiple submitters, no conflicts (2 of 4 stars). 2 submissions from 2 submitters: Uncertain significance (2). Last evaluated 2020-09-22.

Conditions:
Ichthyosis, annular epidermolytic 1. Identifiers: MedGen CN324065, MONDO:0100303, OMIM 607602.

Allele frequency attached by ClinVar (database versions not stated): gnomAD 0.00003; gnomAD exomes 0.00004; ExAC 0.00006; TOPMed 0.00008; 1000 Genomes Project 0.00020; 1000 Genomes Project 30x 0.00031.

Submissions (2):

Revvity Omics, Revvity
Classification: Uncertain significance. Last evaluated: 2020-09-22. Review status: criteria provided, single submitter. Criteria: ACMG Guidelines, 2015. Collection method: clinical testing. Allele origin: germline.

Neuberg Centre For Genomic Medicine, NCGM
Classification: Uncertain significance for Ichthyosis, annular epidermolytic 1. Review status: criteria provided, single submitter. Criteria: ACMG Guidelines, 2015. Collection method: clinical testing. Allele origin: germline. Inheritance: Autosomal dominant inheritance. Affected: yes.
Comment: The missense c.1847G>A p.Arg616Gln variant in the KRT1 gene has not been reported previously as a pathogenic variant nor as a benign variant, to our knowledge. This variant is reported with the allele frequency 0.005% in the gnomAD Exomes and novel in 1000 Genomes. This variant has been reported to the ClinVar database as Uncertain Significance. The amino acid Arginine at position 616 is changed to a Glutamine changing protein sequence and it might alter its composition and physico-chemical properties. The variant is predicted as damaging by SIFT. The amino acid change p.Arg616Gln in KRT1 is predicted as conserved by GERP++ and PhyloP across 100 vertebrates. For these reasons, this variant has been classified as Uncertain Significance.